The following is an entry in ClinVar:

NM_003998.4(NFKB1):c.1419C>T (p.Ser473=)

Gene: NFKB1 (nuclear factor kappa B subunit 1; plus strand). Cytogenetic location: 4q24.
Variant type: single nucleotide variant.
Coding change: c.1419C>T on transcript NM_003998.4 (MANE Select); coding-DNA position 1419, C replaced by T.
Protein change: p.Ser473=; no amino-acid change (serine 473 retained).
Molecular consequence: synonymous variant.
Genome position (GRCh38, 1-based): chr4:102,596,256, C>T. VCF-style: chr4-102596256-C-T. GRCh37 (hg19) VCF-style: chr4-103517413-C-T.
Other names: c.1416C>T, p.Ser472= (NM_001165412.2, NM_001319226.2, NM_001382627.1); c.1419C>T, p.Ser473= (NM_001382625.1, NM_001382626.1); c.1377C>T, p.Ser459= (NM_001382628.1).
Identifiers: ClinVar variation 3625240 (VCV003625240.3).

ClinVar aggregate classification (germline): Likely benign. Review status: criteria provided, multiple submitters, no conflicts (2 of 4 stars). 2 submissions from 2 submitters: Likely benign (2). Last evaluated 2026-07-01.

gnomAD v4.1: 3 of 1,613,552 alleles (0.00019%); highest among the groups gnomAD compares: South Asian, 0.0011%; no homozygotes.

Submissions (2):

CeGaT Center for Human Genetics Tuebingen
Classification: Likely benign. Last evaluated: 2026-07-01. Review status: criteria provided, single submitter. Criteria: CeGaT Center For Human Genetics Tuebingen Variant Classification Criteria Version 2. Collection method: clinical testing. Allele origin: germline. Affected: yes. Observed: 1 variant allele.
Comment: NFKB1: BP4, BP7

Labcorp Genetics (formerly Invitae), Labcorp
Classification: Likely benign. Last evaluated: 2024-12-05. Review status: criteria provided, single submitter. Criteria: Invitae Variant Classification Sherloc (09022015). Collection method: clinical testing. Allele origin: germline.